The following is an entry in ClinVar:

ClinVar aggregate classification (germline): Uncertain significance (1 of 4 stars; one submission).

Conditions:
ANKRD1-related dilated cardiomyopathy. Identifiers: MedGen CN119551.

Allele frequency attached by ClinVar (database versions not stated): gnomAD exomes below 0.00001.
gnomAD v4.1: 1 of 1,614,074 alleles (0.000062%); highest among the groups gnomAD compares: African/African-American, 0.0013%; no homozygotes.

Submission:

Labcorp Genetics (formerly Invitae), Labcorp
Classification: Uncertain significance for ANKRD1-related dilated cardiomyopathy. Last evaluated: 2024-09-24. Review status: criteria provided, single submitter. Criteria: Invitae Variant Classification Sherloc (09022015). Collection method: clinical testing. Allele origin: germline.
Comment: This sequence change replaces leucine, which is neutral and non-polar, with phenylalanine, which is neutral and non-polar, at codon 306 of the ANKRD1 protein (p.Leu306Phe). This variant is not present in population databases (gnomAD no frequency). This variant has not been reported in the literature in individuals affected with ANKRD1-related conditions. ClinVar contains an entry for this variant (Variation ID: 850889). Invitae Evidence Modeling of protein sequence and biophysical properties (such as structural, functional, and spatial information, amino acid conservation, physicochemical variation, residue mobility, and thermodynamic stability) indicates that this missense variant is not expected to disrupt ANKRD1 protein function with a negative predictive value of 80%. In summary, the available evidence is currently insufficient to determine the role of this variant in disease. Therefore, it has been classified as a Variant of Uncertain Significance.

NM_014391.3(ANKRD1):c.916C>T (p.Leu306Phe)

Gene: ANKRD1 (ankyrin repeat domain 1; minus strand). Cytogenetic location: 10q23.31.
Variant type: single nucleotide variant.
Coding change: c.916C>T on transcript NM_014391.3 (MANE Select); coding-DNA position 916, C replaced by T.
Protein change: p.Leu306Phe; replaces leucine 306 with phenylalanine.
Molecular consequence: missense variant.
Genome position (GRCh38, 1-based): chr10:90,912,910, G>A on the plus strand (C>T on the coding strand, the complement: ANKRD1 is on the minus strand). VCF-style: chr10-90912910-G-A. GRCh37 (hg19) VCF-style: chr10-92672667-G-A.
Other names: short protein forms L306F.
Identifiers: ClinVar variation 850889 (VCV000850889.9), dbSNP rs1847332132, ClinGen allele CA377547664.